The following is an entry in ClinVar:

ClinVar aggregate classification (germline): Likely pathogenic (1 of 4 stars; one submission).

Submission:

GeneDx
Classification: Likely pathogenic. Last evaluated: 2016-09-29. Review status: criteria provided, single submitter. Criteria: GeneDx Variant Classification (06012015). Collection method: clinical testing. Allele origin: germline. Affected: yes.
Comment: The H1412R variant in the DYNC1H1 gene has not been reported previously as a pathogenic variant, nor as a benign variant, to our knowledge. The H1412R variant was not observed in approximately 6500 individuals of European and African American ancestry in the NHLBI Exome Sequencing Project, indicating it is not a common benign variant in these populations. The H1412R variant is a conservative amino acid substitution, which is not likely to impact secondary protein structure as these residues share similar properties. However, this substitution occurs at a position that is conserved across species, and in silico analysis predicts this variant is probably damaging to the protein structure/function. The de novo H1412R variant is a strong candidate for a pathogenic variant.

NM_001376.5(DYNC1H1):c.4235A>G (p.His1412Arg)

Gene: DYNC1H1 (dynein cytoplasmic 1 heavy chain 1; plus strand). Cytogenetic location: 14q32.31.
Variant type: single nucleotide variant.
Coding change: c.4235A>G on transcript NM_001376.5 (MANE Select); coding-DNA position 4235, A replaced by G.
Protein change: p.His1412Arg; replaces histidine 1412 with arginine.
Molecular consequence: missense variant.
Genome position (GRCh38, 1-based): chr14:102,001,194, A>G. VCF-style: chr14-102001194-A-G. GRCh37 (hg19) VCF-style: chr14-102467531-A-G.
Other names: short protein forms H1412R.
Identifiers: ClinVar variation 422277 (VCV000422277.2), dbSNP rs1064795677, ClinGen allele CA16619825.